The following is an entry in ClinVar:

ClinVar aggregate classification (germline): Likely benign. Review status: criteria provided, single submitter (1 of 4 stars). 2 submissions from 2 submitters: Likely benign (1). 1 of the submissions does not count toward it. Last evaluated 2025-10-08.

Conditions:
CDH23-related disorder. Also called: CDH23-related condition; CDH23-related disorders.

Allele frequency attached by ClinVar (database versions not stated): TOPMed 0.00001; gnomAD exomes 0.00005; ExAC 0.00004; gnomAD 0.00001.
gnomAD v4.1: 16 of 1,613,676 alleles (0.00099%); highest among the groups gnomAD compares: Admixed American, 0.02%; no homozygotes.

Submissions (2):

Labcorp Genetics (formerly Invitae), Labcorp
Classification: Likely benign. Last evaluated: 2025-10-08. Review status: criteria provided, single submitter. Criteria: Invitae Variant Classification Sherloc (09022015). Collection method: clinical testing. Allele origin: germline.

PreventionGenetics, part of Exact Sciences
Classification: Likely benign for CDH23-related condition. Last evaluated: 2020-12-22. Review status: no assertion criteria provided. Collection method: clinical testing. Allele origin: germline. Not counted in ClinVar's aggregate classification.
Comment: This variant is classified as likely benign based on ACMG/AMP sequence variant interpretation guidelines (Richards et al. 2015 PMID: 25741868, with internal and published modifications).

NM_022124.6(CDH23):c.7926G>A (p.Glu2642=)

Genes: CDH23 (cadherin related 23; plus strand), LOC111982869 (Sharpr-MPRA regulatory region 2121; plus strand). Cytogenetic location: 10q22.1.
Variant type: single nucleotide variant.
Coding change: c.7926G>A on transcript NM_022124.6 (MANE Select); coding-DNA position 7926, G replaced by A.
Protein change: p.Glu2642=; no amino-acid change (glutamic acid 2642 retained).
Molecular consequence: synonymous variant.
Genome position (GRCh38, 1-based): chr10:71,805,859, G>A. VCF-style: chr10-71805859-G-A. GRCh37 (hg19) VCF-style: chr10-73565616-G-A.
Other names: c.1206G>A, p.Glu402= (NM_001171933.1, NM_001171934.1); c.7926G>A (NM_022124.5).
Identifiers: ClinVar variation 1081731 (VCV001081731.11), dbSNP rs758191005, ClinGen allele CA5546481.